The following is an entry in ClinVar:

ClinVar aggregate classification (germline): Pathogenic. Review status: criteria provided, multiple submitters, no conflicts (2 of 4 stars). 5 submissions from 5 submitters: Pathogenic (4). 1 of the submissions does not count toward it. Last evaluated 2024-06-19.

Conditions:
Neuromuscular disease caused by qualitative or quantitative defects of dysferlin. Also called: Dysferlinopathy; Qualitative or quantitative defects of dysferlin. Identifiers: Orphanet 207073, MedGen C2931687, MONDO:0016145.
Distal myopathy with anterior tibial onset. Identifiers: Orphanet 178400, MedGen C1847532, MONDO:0011721, OMIM 606768.
Miyoshi muscular dystrophy 1 (MMD1). Identifiers: Orphanet 45448, MedGen C4551973, MONDO:0024545, OMIM 254130.
Autosomal recessive limb-girdle muscular dystrophy type 2B (LGMDR2). Also called: MUSCULAR DYSTROPHY, LIMB-GIRDLE, AUTOSOMAL RECESSIVE 2; Limb-girdle muscular dystrophy, type 2B; Limb-Girdle Muscular Dystrophy Type 2B (LGMD2B); MUSCULAR DYSTROPHY, LIMB-GIRDLE, TYPE 3. Identifiers: Orphanet 268, MedGen C1850889, MONDO:0009676, OMIM 253601.

Submissions (5):

Fulgent Genetics
Classification: Pathogenic for Autosomal recessive limb-girdle muscular dystrophy type 2B; Miyoshi muscular dystrophy 1; Distal myopathy with anterior tibial onset. Last evaluated: 2024-06-19. Review status: criteria provided, single submitter. Criteria: ACMG Guidelines, 2015. Collection method: clinical testing. Allele origin: germline.

Labcorp Genetics (formerly Invitae), Labcorp
Classification: Pathogenic for Neuromuscular disease caused by qualitative or quantitative defects of dysferlin. Last evaluated: 2023-08-29. Review status: criteria provided, single submitter. Criteria: Invitae Variant Classification Sherloc (09022015). Collection method: clinical testing. Allele origin: germline.
Comment: For these reasons, this variant has been classified as Pathogenic. ClinVar contains an entry for this variant (Variation ID: 94296). This premature translational stop signal has been observed in individual(s) with neuromuscular conditions (PMID: 29382405, 32576226, 33613410). This variant is present in population databases (rs768896420, gnomAD 0.006%). This sequence change creates a premature translational stop signal (p.Gln957Profs*12) in the DYSF gene. It is expected to result in an absent or disrupted protein product. Loss-of-function variants in DYSF are known to be pathogenic (PMID: 17698709, 20301480).

Baylor Genetics
Classification: Pathogenic for Miyoshi muscular dystrophy 1. Last evaluated: 2021-11-24. Review status: criteria provided, single submitter. Criteria: ACMG Guidelines, 2015. Collection method: clinical testing. Allele origin: unknown.

Eurofins Ntd Llc (ga)
Classification: Pathogenic. Last evaluated: 2013-04-08. Review status: criteria provided, single submitter. Criteria: EGL Classification Definitions. Collection method: clinical testing. Allele origin: germline. Observed: 1 variant allele, 1 heterozygote.

Department of Neurology, Guangzhou First People’s Hospital, School of Medicine, South China University of Technology
Classification: Pathogenic. Last evaluated: 2019-07-01. Review status: no assertion criteria provided. Collection method: reference population. Allele origin: paternal. Affected: yes. Not counted in ClinVar's aggregate classification.

Literature cited by the submitters: PubMed 29382405 (cited by Labcorp Genetics (formerly Invitae), Labcorp); PubMed 32576226 (cited by Labcorp Genetics (formerly Invitae), Labcorp); PubMed 33613410 (cited by Labcorp Genetics (formerly Invitae), Labcorp); PubMed 17698709 (cited by Labcorp Genetics (formerly Invitae), Labcorp); PubMed 20301480 (cited by Labcorp Genetics (formerly Invitae), Labcorp).

NM_001130987.2(DYSF):c.2924_2928del (p.Gln975fs)

Gene: DYSF (dysferlin; plus strand). Cytogenetic location: 2p13.2.
Variant type: Deletion.
Coding change: c.2924_2928del on transcript NM_001130987.2 (MANE Select); coding-DNA positions 2924 to 2928, 5 bases deleted (AGACC; older notation c.2924_2928delAGACC).
Protein change: p.Gln975fs; shifts the reading frame from glutamine 975.
Molecular consequence: frameshift variant.
Genome position (GRCh38, 1-based): chr2:71,569,879-71,569,883, AGACC deleted; deleting any 5 consecutive bases within chr2:71,569,876-71,569,883 gives the same sequence; the c. name uses the placement nearest the transcript's 3' end. VCF-style (leftmost placement, unchanged base first): chr2-71569875-AACCAG-A. GRCh37 (hg19) VCF-style: chr2-71797005-AACCAG-A.
Other names: c.2873_2877del, p.Gln958fs (NM_001130455.2, NM_001130983.2); c.2828_2832del, p.Gln943fs (NM_001130976.2, NM_001130977.2); c.2870_2874del, p.Gln957fs (NM_001130978.2, NM_003494.4); c.2963_2967del, p.Gln988fs (NM_001130979.2); c.2921_2925del, p.Gln974fs (NM_001130980.2, NM_001130981.2); c.2966_2970del, p.Gln989fs (NM_001130982.2); c.2831_2835del, p.Gln944fs (NM_001130984.2, NM_001130986.2); c.2924_2928del, p.Gln975fs (NM_001130985.2); short protein forms Q943fs, Q975fs, Q988fs, Q989fs, Q944fs, Q958fs, Q957fs, Q974fs.
Identifiers: ClinVar variation 94296 (VCV000094296.14), dbSNP rs398123777, ClinGen allele CA222146.